The following is an entry in ClinVar:

NM_000293.3(PHKB):c.333C>A (p.Thr111=)

Gene: PHKB (phosphorylase kinase regulatory subunit beta; plus strand). Cytogenetic location: 16q12.1.
Variant type: single nucleotide variant.
Coding change: c.333C>A on transcript NM_000293.3 (MANE Select); coding-DNA position 333, C replaced by A.
Protein change: p.Thr111=; no amino-acid change (threonine 111 retained).
Molecular consequence: synonymous variant.
Genome position (GRCh38, 1-based): chr16:47,503,018, C>A. VCF-style: chr16-47503018-C-A. GRCh37 (hg19) VCF-style: chr16-47536929-C-A.
Other names: c.312C>A, p.Thr104= (NM_001031835.3); c.333C>A, p.Thr111= (NM_001363837.1).
Identifiers: ClinVar variation 3026105 (VCV003026105.24), dbSNP rs1970348808, ClinGen allele CA495356857.

ClinVar aggregate classification (germline): Likely benign. Review status: criteria provided, multiple submitters, no conflicts (2 of 4 stars). 2 submissions from 2 submitters: Likely benign (2). Last evaluated 2024-02-20.

Conditions:
Glycogen storage disease IXb (GSD9B). Also called: GLYCOGENOSIS OF LIVER AND MUSCLE, AUTOSOMAL RECESSIVE; GSD IXb; PHOSPHORYLASE KINASE DEFICIENCY OF LIVER AND MUSCLE, AUTOSOMAL RECESSIVE. Identifiers: Orphanet 79240, MedGen C0543514, MONDO:0009868, OMIM 261750.

Allele frequency attached by ClinVar (database versions not stated): gnomAD exomes below 0.00001.
gnomAD v4.1: 1 of 1,612,878 alleles (0.000062%); highest among the groups gnomAD compares: Non-Finnish European, 0.000085%; no homozygotes.

Submissions (2):

Labcorp Genetics (formerly Invitae), Labcorp
Classification: Likely benign for Glycogen storage disease IXb. Last evaluated: 2024-02-20. Review status: criteria provided, single submitter. Criteria: Invitae Variant Classification Sherloc (09022015). Collection method: clinical testing. Allele origin: germline.

CeGaT Center for Human Genetics Tuebingen
Classification: Likely benign. Last evaluated: 2024-02-01. Review status: criteria provided, single submitter. Criteria: CeGaT Center For Human Genetics Tuebingen Variant Classification Criteria Version 2. Collection method: clinical testing. Allele origin: germline. Affected: yes. Observed: 1 variant allele.
Comment: PHKB: PM2:Supporting, BP4, BP7